The following is an entry in ClinVar:

NM_001270974.2(HYDIN):c.8095C>T (p.Arg2699Cys)

Gene: HYDIN (HYDIN axonemal central pair apparatus protein; minus strand). Cytogenetic location: 16q22.2.
Variant type: single nucleotide variant.
Coding change: c.8095C>T on transcript NM_001270974.2 (MANE Select); coding-DNA position 8095, C replaced by T.
Protein change: p.Arg2699Cys; replaces arginine 2699 with cysteine.
Molecular consequence: missense variant.
Genome position (GRCh38, 1-based): chr16:70,908,771, G>A on the plus strand (C>T on the coding strand, the complement: HYDIN is on the minus strand). VCF-style: chr16-70908771-G-A. GRCh37 (hg19) VCF-style: chr16-70942674-G-A.
Other names: short protein forms R2699C.
Identifiers: ClinVar variation 3897252 (VCV003897252.1).
Genomic context (GRCh38, chr16:70,908,771, plus strand): 5'-GCTGGGAAATGGTTCCAGCAGGTTCCCCAGAAAGGACCTTCCTGTTTAAGGCCATGTGAC[G>A]CTTGTCTTTCTGAATCTCGAAGACTTGGTCTATCTTTTCTTTCATTTTCTGTTTGCCCCC-3'
Protein context (NP_001257903.1, residues 2689-2709): DQVFEIQKDK[Arg2699Cys]HMALNRKVLS

ClinVar aggregate classification (germline): Uncertain significance (1 of 4 stars; one submission).

gnomAD v4.1: 19 of 1,614,196 alleles (0.0012%); highest among the groups gnomAD compares: Middle Eastern, 0.016%; no homozygotes.

Submission:

GeneDx
Classification: Uncertain significance. Last evaluated: 2024-11-01. Review status: criteria provided, single submitter. Criteria: GeneDx Variant Classification Process June 2021. Collection method: clinical testing. Allele origin: germline. Affected: yes.
Comment: Not observed at significant frequency in large population cohorts (gnomAD); In silico analysis supports that this missense variant has a deleterious effect on protein structure/function; Has not been previously published as pathogenic or benign to our knowledge